The following is an entry in ClinVar:

ClinVar aggregate classification (germline): Uncertain significance (1 of 4 stars; one submission).

Conditions:
RYR1-related disorder. Also called: RYR1-related condition; RYR1-related disorders. Identifiers: MedGen CN239331.

Allele frequency attached by ClinVar (database versions not stated): ExAC 0.00001.
gnomAD v4.1: 4 of 1,607,756 alleles (0.00025%); highest among the groups gnomAD compares: East Asian, 0.0045%; no homozygotes.

Submission:

Labcorp Genetics (formerly Invitae), Labcorp
Classification: Uncertain significance for RYR1-related disorder. Last evaluated: 2022-05-06. Review status: criteria provided, single submitter. Criteria: Invitae Variant Classification Sherloc (09022015). Collection method: clinical testing. Allele origin: germline.
Comment: This sequence change replaces alanine, which is neutral and non-polar, with valine, which is neutral and non-polar, at codon 2598 of the RYR1 protein (p.Ala2598Val). The frequency data for this variant in the population databases is considered unreliable, as metrics indicate poor data quality at this position in the gnomAD database. This variant has not been reported in the literature in individuals affected with RYR1-related conditions. Algorithms developed to predict the effect of missense changes on protein structure and function are either unavailable or do not agree on the potential impact of this missense change (SIFT: "Deleterious"; PolyPhen-2: "Benign"; Align-GVGD: "Class C0"). Algorithms developed to predict the effect of sequence changes on RNA splicing suggest that this variant may create or strengthen a splice site. In summary, the available evidence is currently insufficient to determine the role of this variant in disease. Therefore, it has been classified as a Variant of Uncertain Significance.

NM_000540.3(RYR1):c.7793C>T (p.Ala2598Val)

Gene: RYR1 (ryanodine receptor 1; plus strand). Cytogenetic location: 19q13.2.
Variant type: single nucleotide variant.
Coding change: c.7793C>T on transcript NM_000540.3 (MANE Select); coding-DNA position 7793, C replaced by T.
Protein change: p.Ala2598Val; replaces alanine 2598 with valine.
Molecular consequence: missense variant.
Genome position (GRCh38, 1-based): chr19:38,502,685, C>T. VCF-style: chr19-38502685-C-T. GRCh37 (hg19) VCF-style: chr19-38993325-C-T.
Other names: c.7793C>T, p.Ala2598Val (NM_001042723.2); short protein forms A2598V.
Identifiers: ClinVar variation 2176132 (VCV002176132.1), dbSNP rs770719689, ClinGen allele CA070276.
Genomic context (GRCh38, chr19:38,502,685, plus strand): 5'-TGGTGGACTCTATGCTGCATACCGTGTACCGCCTGTCTCGGGGTCGTTCGCTCACCAAGG[C>T]GCAGCGTGACGTCATCGAGGACTGCCTCATGTCGCTCTGCAGGTGGAGCGGGGCAGGCTT-3'
Protein context (NP_000531.2, residues 2588-2608): RLSRGRSLTK[Ala2598Val]QRDVIEDCLM